The following is an entry in ClinVar:

NM_004208.4(AIFM1):c.473G>C (p.Arg158Thr)

Genes: AIFM1 (apoptosis inducing factor mitochondria associated 1; minus strand), RAB33A (RAB33A, member RAS oncogene family; plus strand). Cytogenetic location: Xq26.1.
Variant type: single nucleotide variant.
Coding change: c.473G>C on transcript NM_004208.4 (MANE Select); coding-DNA position 473, G replaced by C.
Protein change: p.Arg158Thr; replaces arginine 158 with threonine.
Molecular consequence: missense variant. On other transcripts: non-coding transcript variant (1).
Genome position (GRCh38, 1-based): chrX:130,147,753, C>G on the plus strand (G>C on the coding strand, the complement: AIFM1 is on the minus strand). VCF-style: chrX-130147753-C-G. GRCh37 (hg19) VCF-style: chrX-129281728-C-G.
Other names: c.473G>C, p.Arg158Thr (NM_001130847.4); c.461G>C, p.Arg154Thr (NM_145812.3); short protein forms R158T, R154T.
Identifiers: ClinVar variation 1369096 (VCV001369096.8), dbSNP rs1878089773, ClinGen allele CA414588681.

ClinVar aggregate classification (germline): Uncertain significance (1 of 4 stars; one submission).

Conditions:
Charcot-Marie-Tooth Neuropathy X. Identifiers: MedGen CN118851.
Combined oxidative phosphorylation deficiency. Identifiers: MedGen C4540031, MONDO:0000732.

Submission:

Labcorp Genetics (formerly Invitae), Labcorp
Classification: Uncertain significance for Charcot-Marie-Tooth Neuropathy X; Combined oxidative phosphorylation deficiency. Last evaluated: 2021-05-17. Review status: criteria provided, single submitter. Criteria: Invitae Variant Classification Sherloc (09022015). Collection method: clinical testing. Allele origin: germline.
Comment: In summary, the available evidence is currently insufficient to determine the role of this variant in disease. Therefore, it has been classified as a Variant of Uncertain Significance. Algorithms developed to predict the effect of missense changes on protein structure and function are either unavailable or do not agree on the potential impact of this missense change (SIFT: "Deleterious"; PolyPhen-2: "Benign"; Align-GVGD: "Class C0"). This variant has not been reported in the literature in individuals with AIFM1-related conditions. This variant is not present in population databases (ExAC no frequency). This sequence change replaces arginine with threonine at codon 158 of the AIFM1 protein (p.Arg158Thr). The arginine residue is moderately conserved and there is a moderate physicochemical difference between arginine and threonine.